The following is an entry in ClinVar:

ClinVar aggregate classification (germline): Uncertain significance (1 of 4 stars; one submission).

Conditions:
SLC3A1-related disorder. Also called: SLC3A1-related condition.

gnomAD v4.1: 13 of 1,613,770 alleles (0.00081%); highest among the groups gnomAD compares: Middle Eastern, 0.017%; no homozygotes.

Submission:

PreventionGenetics, part of Exact Sciences
Classification: Uncertain significance for SLC3A1-related condition. Last evaluated: 2025-10-23. Review status: criteria provided, single submitter. Criteria: ACMG Guidelines, 2015. Collection method: clinical testing. Allele origin: germline.
Comment: The SLC3A1 c.802G>A variant is predicted to result in the amino acid substitution p.Glu268Lys. This variant has been reported in the compound heterozygous state in an individual with cystinuria (Miyamoto et al. 1995. PubMed ID: 7575432). This variant is reported in 0.0029% of alleles in individuals of Latino descent in gnomAD. At this time, the clinical significance of this variant is uncertain due to the absence of conclusive functional and genetic evidence.

NM_000341.4(SLC3A1):c.802G>A (p.Glu268Lys)

Gene: SLC3A1 (solute carrier family 3 member 1; plus strand). Cytogenetic location: 2p21.
Variant type: single nucleotide variant.
Coding change: c.802G>A on transcript NM_000341.4 (MANE Select); coding-DNA position 802, G replaced by A.
Protein change: p.Glu268Lys; replaces glutamic acid 268 with lysine.
Molecular consequence: missense variant.
Genome position (GRCh38, 1-based): chr2:44,286,068, G>A. VCF-style: chr2-44286068-G-A. GRCh37 (hg19) VCF-style: chr2-44513207-G-A.
Other names: short protein forms E268K.
Identifiers: ClinVar variation 4977493 (VCV004977493.1).